The following is an entry in ClinVar:

NM_001844.5(COL2A1):c.1211C>T (p.Ala404Val)

Gene: COL2A1 (collagen type II alpha 1 chain; minus strand). Cytogenetic location: 12q13.11.
Variant type: single nucleotide variant.
Coding change: c.1211C>T on transcript NM_001844.5 (MANE Select); coding-DNA position 1211, C replaced by T.
Protein change: p.Ala404Val; replaces alanine 404 with valine.
Molecular consequence: missense variant.
Genome position (GRCh38, 1-based): chr12:47,987,621, G>A on the plus strand (C>T on the coding strand, the complement: COL2A1 is on the minus strand). VCF-style: chr12-47987621-G-A. GRCh37 (hg19) VCF-style: chr12-48381404-G-A.
Other names: c.1004C>T, p.Ala335Val (NM_033150.3); short protein forms A335V, A404V.
Identifiers: ClinVar variation 4747071 (VCV004747071.1).

ClinVar aggregate classification (germline): Uncertain significance (1 of 4 stars; one submission).

gnomAD v4.1: 5 of 1,612,442 alleles (0.00031%); highest among the groups gnomAD compares: Non-Finnish European, 0.00042%; no homozygotes.

Submission:

Labcorp Genetics (formerly Invitae), Labcorp
Classification: Uncertain significance. Last evaluated: 2025-07-20. Review status: criteria provided, single submitter. Criteria: Invitae Variant Classification Sherloc (09022015). Collection method: clinical testing. Allele origin: germline.
Comment: This sequence change replaces alanine, which is neutral and non-polar, with valine, which is neutral and non-polar, at codon 404 of the COL2A1 protein (p.Ala404Val). This variant is not present in population databases (gnomAD no frequency). This variant has not been reported in the literature in individuals affected with COL2A1-related conditions. Invitae Evidence Modeling of protein sequence and biophysical properties (such as structural, functional, and spatial information, amino acid conservation, physicochemical variation, residue mobility, and thermodynamic stability) indicates that this missense variant is not expected to disrupt COL2A1 protein function with a negative predictive value of 95%. In summary, the available evidence is currently insufficient to determine the role of this variant in disease. Therefore, it has been classified as a Variant of Uncertain Significance.